The following is an entry in ClinVar:

ClinVar aggregate classification (germline): Uncertain significance (1 of 4 stars; one submission).

Conditions:
Seizures, benign familial infantile, 3 (BFIS3). Also called: CONVULSIONS, BENIGN FAMILIAL INFANTILE, 3; Familial neonatal seizures. Identifiers: Orphanet 140927, Orphanet 306, MedGen C1843140, MONDO:0011904, OMIM 607745.
Developmental and epileptic encephalopathy, 11 (DEE11). Also called: Early infantile epileptic encephalopathy 11. Identifiers: Orphanet 1934, MedGen C3150987, MONDO:0013388, OMIM 613721.

Submission:

Labcorp Genetics (formerly Invitae), Labcorp
Classification: Uncertain significance for Seizures, benign familial infantile, 3; Developmental and epileptic encephalopathy, 11. Last evaluated: 2021-03-26. Review status: criteria provided, single submitter. Criteria: Invitae Variant Classification Sherloc (09022015). Collection method: clinical testing. Allele origin: germline.
Comment: In summary, the available evidence is currently insufficient to determine the role of this variant in disease. Therefore, it has been classified as a Variant of Uncertain Significance. Algorithms developed to predict the effect of missense changes on protein structure and function are either unavailable or do not agree on the potential impact of this missense change (SIFT: "Deleterious"; PolyPhen-2: "Probably Damaging"; Align-GVGD: "Class C0"). This variant has not been reported in the literature in individuals with SCN2A-related conditions. This variant is not present in population databases (ExAC no frequency). This sequence change replaces isoleucine with leucine at codon 894 of the SCN2A protein (p.Ile894Leu). The isoleucine residue is highly conserved and there is a small physicochemical difference between isoleucine and leucine.

NM_001040142.2(SCN2A):c.2680A>C (p.Ile894Leu)

Gene: SCN2A (sodium voltage-gated channel alpha subunit 2; plus strand). Cytogenetic location: 2q24.3.
Variant type: single nucleotide variant.
Coding change: c.2680A>C on transcript NM_001040142.2 (MANE Select); coding-DNA position 2680, A replaced by C.
Protein change: p.Ile894Leu; replaces isoleucine 894 with leucine.
Molecular consequence: missense variant.
Genome position (GRCh38, 1-based): chr2:165,344,672, A>C. VCF-style: chr2-165344672-A-C. GRCh37 (hg19) VCF-style: chr2-166201182-A-C.
Other names: c.2680A>C, p.Ile894Leu (NM_001040143.2, NM_001371246.1, NM_001371247.1 and 1 more transcripts); short protein forms I894L.
Identifiers: ClinVar variation 1427767 (VCV001427767.8), dbSNP rs2105318835, ClinGen allele CA349014392.
Genomic context (GRCh38, chr2:165,344,672, plus strand): 5'-ATTGGCAATTCTGTGGGGGCTCTAGGAAACCTCACCTTGGTATTGGCCATCATCGTCTTC[A>C]TTTTTGCTGTGGTCGGCATGCAGCTCTTTGGTAAGAGCTACAAAGAATGTGTCTGCAAGA-3'
Protein context (NP_001035232.1, residues 884-904): LTLVLAIIVF[Ile894Leu]FAVVGMQLFG